The following is an entry in ClinVar:

ClinVar aggregate classification (germline): Conflicting classifications of pathogenicity. Review status: criteria provided, conflicting classifications (1 of 4 stars). 6 submissions from 6 submitters: Uncertain significance (1); Benign (2); Likely benign (2). 1 of the submissions does not count toward it. Last evaluated 2026-09-01.

Conditions:
CTCF-related disorder. Also called: CTCF-related condition. Identifiers: MedGen CN381101.
Inborn genetic diseases. Identifiers: MedGen C0950123, MeSH D030342.

Allele frequency attached by ClinVar (database versions not stated): gnomAD exomes 0.00133 and 0.00104; 1000 Genomes Project 30x 0.00016; 1000 Genomes Project 0.00020; gnomAD 0.00067 and 0.00069; TOPMed 0.00079; ESP Exome Variant Server 0.00085; ExAC 0.00128.
gnomAD v4.1: 2,020 of 1,591,818 alleles (0.13%); highest among the groups gnomAD compares: Non-Finnish European, 0.16%; 3 homozygotes.

Submissions (6):

CeGaT Center for Human Genetics Tuebingen
Classification: Likely benign. Last evaluated: 2026-09-01. Review status: criteria provided, single submitter. Criteria: CeGaT Center For Human Genetics Tuebingen Variant Classification Criteria Version 2. Collection method: clinical testing. Allele origin: germline. Affected: yes. Observed: 6 variant alleles.
Comment: CTCF: BP4, BS1

Labcorp Genetics (formerly Invitae), Labcorp
Classification: Benign. Last evaluated: 2019-12-31. Review status: criteria provided, single submitter. Criteria: Invitae Variant Classification Sherloc (09022015). Collection method: clinical testing. Allele origin: germline.

GeneDx
Classification: Benign. Last evaluated: 2019-09-17. Review status: criteria provided, single submitter. Criteria: GeneDx Variant Classification Process June 2021. Collection method: clinical testing. Allele origin: germline. Affected: yes.

Ambry Genetics
Classification: Likely benign for Inborn genetic diseases. Last evaluated: 2018-07-08. Review status: criteria provided, single submitter. Criteria: Ambry Variant Classification Scheme 2023. Collection method: clinical testing. Allele origin: germline.

Genetic Services Laboratory, University of Chicago
Classification: Uncertain significance. Last evaluated: 2014-09-12. Review status: criteria provided, single submitter. Criteria: ACMG Guidelines, 2015. Collection method: clinical testing. Allele origin: germline.

PreventionGenetics, part of Exact Sciences
Classification: Likely benign for CTCF-related condition. Last evaluated: 2023-11-22. Review status: no assertion criteria provided. Collection method: clinical testing. Allele origin: germline. Not counted in ClinVar's aggregate classification.
Comment: This variant is classified as likely benign based on ACMG/AMP sequence variant interpretation guidelines (Richards et al. 2015 PMID: 25741868, with internal and published modifications).

NM_006565.4(CTCF):c.1986C>G (p.Pro662=)

Gene: CTCF (CCCTC-binding factor; plus strand). Cytogenetic location: 16q22.1.
Variant type: single nucleotide variant.
Coding change: c.1986C>G on transcript NM_006565.4 (MANE Select); coding-DNA position 1986, C replaced by G.
Protein change: p.Pro662=; no amino-acid change (proline 662 retained).
Molecular consequence: synonymous variant.
Genome position (GRCh38, 1-based): chr16:67,636,838, C>G. VCF-style: chr16-67636838-C-G. GRCh37 (hg19) VCF-style: chr16-67670741-C-G.
Other names: c.1002C>G, p.Pro334= (NM_001191022.2); c.1986C>G, p.Pro662= (NM_001363916.2).
Identifiers: ClinVar variation 210801 (VCV000210801.38), dbSNP rs148681672, ClinGen allele CA209992.